The following is an entry in ClinVar:

NM_000350.3(ABCA4):c.468C>T (p.Ile156=)

Gene: ABCA4 (ATP binding cassette subfamily A member 4; minus strand). Cytogenetic location: 1p22.1.
Variant type: single nucleotide variant.
Coding change: c.468C>T on transcript NM_000350.3 (MANE Select); coding-DNA position 468, C replaced by T.
Protein change: p.Ile156=; no amino-acid change (isoleucine 156 retained).
Molecular consequence: synonymous variant.
Genome position (GRCh38, 1-based): chr1:94,103,117, G>A on the plus strand (C>T on the coding strand, the complement: ABCA4 is on the minus strand). VCF-style: chr1-94103117-G-A. GRCh37 (hg19) VCF-style: chr1-94568673-G-A.
Other names: c.468C>T, p.Ile156= (NM_001425324.1).
Identifiers: ClinVar variation 298267 (VCV000298267.19), dbSNP rs148091207, ClinGen allele CA958825.

ClinVar aggregate classification (germline): Conflicting classifications of pathogenicity. Review status: criteria provided, conflicting classifications (1 of 4 stars). 4 submissions from 4 submitters: Uncertain significance (1); Benign (1); Likely benign (1). 1 of the submissions does not count toward it. Last evaluated 2026-01-24.

Conditions:
ABCA4-related disorder. Also called: ABCA4-related disorders; ABCA4-related condition. Identifiers: MedGen CN239167.

Allele frequency attached by ClinVar (database versions not stated): gnomAD exomes 0.00022; ESP Exome Variant Server 0.00154; TOPMed 0.00168; 1000 Genomes Project 0.00240; 1000 Genomes Project 30x 0.00281.
gnomAD v4.1: 600 of 1,614,084 alleles (0.037%); highest among the groups gnomAD compares: African/African-American, 0.62%; 3 homozygotes.

Submissions (4):

Labcorp Genetics (formerly Invitae), Labcorp
Classification: Benign. Last evaluated: 2026-01-24. Review status: criteria provided, single submitter. Criteria: Invitae Variant Classification Sherloc (09022015). Collection method: clinical testing. Allele origin: germline.

Blueprint Genetics
Classification: Likely benign. Last evaluated: 2024-08-23. Review status: criteria provided, single submitter. Criteria: ACMG Guidelines, 2015. Collection method: clinical testing. Allele origin: germline.

Illumina Laboratory Services, Illumina
Classification: Uncertain significance for ABCA4-Related Disorders. Last evaluated: 2018-01-12. Review status: criteria provided, single submitter. Criteria: ICSL Variant Classification Criteria 13 December 2019. Collection method: clinical testing. Allele origin: germline.

PreventionGenetics, part of Exact Sciences
Classification: Benign for ABCA4-related condition. Last evaluated: 2019-07-30. Review status: no assertion criteria provided. Collection method: clinical testing. Allele origin: germline. Not counted in ClinVar's aggregate classification.
Comment: This variant is classified as benign based on ACMG/AMP sequence variant interpretation guidelines (Richards et al. 2015 PMID: 25741868, with internal and published modifications).